The following is an entry in ClinVar:

NM_000465.4(BARD1):c.932A>G (p.Lys311Arg)

Gene: BARD1 (BRCA1 associated RING domain 1; minus strand). Cytogenetic location: 2q35.
Variant type: single nucleotide variant.
Coding change: c.932A>G on transcript NM_000465.4 (MANE Select); coding-DNA position 932, A replaced by G.
Protein change: p.Lys311Arg; replaces lysine 311 with arginine.
Molecular consequence: missense variant. On other transcripts: non-coding transcript variant (2), intron variant (3).
Genome position (GRCh38, 1-based): chr2:214,780,942, T>C on the plus strand (A>G on the coding strand, the complement: BARD1 is on the minus strand). VCF-style: chr2-214780942-T-C. GRCh37 (hg19) VCF-style: chr2-215645666-T-C.
Other names: c.875A>G, p.Lys292Arg (NM_001282543.2); c.159-28387A>G (NM_001282548.2); c.215+16119A>G (NM_001282545.2); c.364+11355A>G (NM_001282549.2); c.932A>G (NM_000465.2); short protein forms K292R, K311R.
Identifiers: ClinVar variation 2679917 (VCV002679917.2), dbSNP rs2469506472, ClinGen allele CA350454975.
Genomic context (GRCh38, chr2:214,780,942, plus strand): 5'-GGACTGGAAAGTCTATTGTGATGGCCACGTTTTCCATTATTTTCTAATGGCAAAGATTTC[T>C]TAGATGTAAGATAATTTTTGCAGACCTTCTCAGGAGTCACTACTTCATTCCTGCTCTTAG-3'
Protein context (NP_000456.2, residues 301-321): EKVCKNYLTS[Lys311Arg]KSLPLENNGK

ClinVar aggregate classification (germline): Uncertain significance. Review status: criteria provided, multiple submitters, no conflicts (2 of 4 stars). 2 submissions from 2 submitters: Uncertain significance (2). Last evaluated 2024-10-12.

Conditions:
Hereditary cancer-predisposing syndrome. Also called: Neoplastic Syndromes, Hereditary; Hereditary neoplastic syndrome; Tumor predisposition; Hereditary Cancer Syndrome. Identifiers: Orphanet 140162, MedGen C0027672, MeSH D009386, MONDO:0015356.
Familial cancer of breast. Also called: hereditary breast carcinoma; BREAST CANCER, FAMILIAL; Hereditary breast cancer. Identifiers: Orphanet 227535, MedGen C0346153, MONDO:0016419, OMIM 114480. Disease mechanism: loss of function.

Submissions (2):

Ambry Genetics
Classification: Uncertain significance for Hereditary cancer-predisposing syndrome. Last evaluated: 2024-10-12. Review status: criteria provided, single submitter. Criteria: Ambry Variant Classification Scheme 2023. Collection method: clinical testing. Allele origin: germline.
Comment: The p.K311R variant (also known as c.932A>G), located in coding exon 4 of the BARD1 gene, results from an A to G substitution at nucleotide position 932. The lysine at codon 311 is replaced by arginine, an amino acid with highly similar properties. This amino acid position is conserved. In addition, this alteration is predicted to be tolerated by in silico analysis. Based on the available evidence, the clinical significance of this variant remains unclear.

Baylor Genetics
Classification: Uncertain significance for Familial cancer of breast. Last evaluated: 2023-10-17. Review status: criteria provided, single submitter. Criteria: ACMG Guidelines, 2015. Collection method: clinical testing. Allele origin: unknown.